The following is an entry in ClinVar:

NM_000350.3(ABCA4):c.5307G>C (p.Leu1769=)

Gene: ABCA4 (ATP binding cassette subfamily A member 4; minus strand). Cytogenetic location: 1p22.1.
Variant type: single nucleotide variant.
Coding change: c.5307G>C on transcript NM_000350.3 (MANE Select); coding-DNA position 5307, G replaced by C.
Protein change: p.Leu1769=; no amino-acid change (leucine 1769 retained).
Molecular consequence: synonymous variant.
Genome position (GRCh38, 1-based): chr1:94,015,744, C>G on the plus strand (G>C on the coding strand, the complement: ABCA4 is on the minus strand). VCF-style: chr1-94015744-C-G. GRCh37 (hg19) VCF-style: chr1-94481300-C-G.
Other names: c.5085G>C, p.Leu1695= (NM_001425324.1).
Identifiers: ClinVar variation 1572291 (VCV001572291.13), dbSNP rs146443426, ClinGen allele CA957328.

ClinVar aggregate classification (germline): Benign/Likely benign. Review status: criteria provided, multiple submitters, no conflicts (2 of 4 stars). 3 submissions from 3 submitters: Benign (1); Likely benign (2). Last evaluated 2026-01-04.

Allele frequency attached by ClinVar (database versions not stated): gnomAD exomes 0.00006 and 0.00014; ExAC 0.00019; 1000 Genomes Project 0.00040; 1000 Genomes Project 30x 0.00062; TOPMed 0.00069; gnomAD 0.00072 and 0.00079; ESP Exome Variant Server 0.00100.
gnomAD v4.1: 202 of 1,613,272 alleles (0.013%); highest among the groups gnomAD compares: African/African-American, 0.25%; no homozygotes.

Submissions (3):

Labcorp Genetics (formerly Invitae), Labcorp
Classification: Benign. Last evaluated: 2026-01-04. Review status: criteria provided, single submitter. Criteria: Invitae Variant Classification Sherloc (09022015). Collection method: clinical testing. Allele origin: germline.

CeGaT Center for Human Genetics Tuebingen
Classification: Likely benign. Last evaluated: 2026-01-01. Review status: criteria provided, single submitter. Criteria: CeGaT Center For Human Genetics Tuebingen Variant Classification Criteria Version 2. Collection method: clinical testing. Allele origin: germline. Affected: yes. Observed: 1 variant allele.
Comment: ABCA4: BP4, BP7

Blueprint Genetics
Classification: Likely benign. Last evaluated: 2024-10-22. Review status: criteria provided, single submitter. Criteria: ACMG Guidelines, 2015. Collection method: clinical testing. Allele origin: germline.